The following is an entry in ClinVar:

ClinVar aggregate classification (germline): Pathogenic (1 of 4 stars; one submission).

Conditions:
Hereditary cancer-predisposing syndrome. Also called: Neoplastic Syndromes, Hereditary; Hereditary Cancer Syndrome; Tumor predisposition; Hereditary neoplastic syndrome. Identifiers: Orphanet 140162, MedGen C0027672, MeSH D009386, MONDO:0015356.

Submission:

GeneKor MSA
Classification: Pathogenic for Hereditary cancer-predisposing syndrome. Last evaluated: 2020-01-01. Review status: criteria provided, single submitter. Criteria: ACMG Guidelines, 2015. Collection method: clinical testing. Allele origin: germline.
Comment: This variant is a large genomic deletion which encompasses exon 3 of the BRCA1 gene. It is expected to result in an absent or disrupted protein product. Truncating variants in BRCA1 are known to be pathogenic (PMID: 20104584). This variant has been described in the international literature in an individual undergoing panel testing for hereditary syndrome (PMID: 31159747).

deletion of exon 3

NM_007294.3(BRCA1):c.(80+1_81-1)_(134+1_135-1)del

Gene: BRCA1 (BRCA1 DNA repair associated; minus strand).
Variant type: Deletion.
Coding change: c.(80+1_81-1)_(134+1_135-1)del on transcript NM_007294.3; a large deletion whose breakpoints are not mapped to the base.
Other names: c.(80+1_81-1)_(134+1_135-1)del (LRG_292t1).
Identifiers: ClinVar variation 584574 (VCV000584574.2).